The following is an entry in ClinVar:

GRCh38/hg38 22q13.2(chr22:40860894-41306006)x3

Genes: CHADL (chondroadherin like; minus strand), DNAJB7 (DnaJ heat shock protein family (Hsp40) member B7; minus strand), EP300 (E1A binding protein p300; plus strand), EP300-AS1 (EP300 antisense RNA 1; minus strand), L3MBTL2 (L3MBTL histone methyl-lysine binding protein 2; plus strand) and 25 more. Cytogenetic location: 22q13.2.
Variant type: copy number gain.
Change: copy number 3 (three copies instead of two) of chr22:40,860,894-41,306,006 (445.1 kb, GRCh38 coordinates, 1-based), cytogenetic band 22q13.2.
Identifiers: ClinVar variation 57233 (VCV000057233.1).

ClinVar aggregate classification (germline): Uncertain significance (1 of 4 stars; one submission).

Submission:

ISCA site 4
Classification: Uncertain significance. Last evaluated: 2011-08-12. Review status: criteria provided, single submitter. Criteria: Kaminsky et al. (Genet Med. 2011). Collection method: clinical testing. Allele origin: unknown. Affected: yes. Observed: 2 variant alleles.
Comment: Copy number variation identified through the course of routine clinical cytogenomic testing in postnatal populations. Clinical assertions have been curated as described in Kaminsky et al. 2011.